The following is an entry in ClinVar:

ClinVar aggregate classification (germline): Uncertain significance (1 of 4 stars; one submission).

Conditions:
Inborn genetic diseases. Identifiers: MedGen C0950123, MeSH D030342.

Submission:

Ambry Genetics
Classification: Uncertain significance for Inborn genetic diseases. Last evaluated: 2024-09-06. Review status: criteria provided, single submitter. Criteria: Ambry Variant Classification Scheme 2023. Collection method: clinical testing. Allele origin: germline.
Comment: The p.F684C variant (also known as c.2051T>G), located in coding exon 22 of the ERCC2 gene, results from a T to G substitution at nucleotide position 2051. The phenylalanine at codon 684 is replaced by cysteine, an amino acid with highly dissimilar properties. This amino acid position is conserved. In addition, this alteration is predicted to be deleterious by in silico analysis. Based on the available evidence, the clinical significance of this variant remains unclear.

NM_000400.4(ERCC2):c.2051T>G (p.Phe684Cys)

Gene: ERCC2 (ERCC excision repair 2, TFIIH core complex helicase subunit; minus strand). Cytogenetic location: 19q13.32.
Variant type: single nucleotide variant.
Coding change: c.2051T>G on transcript NM_000400.4 (MANE Select); coding-DNA position 2051, T replaced by G.
Protein change: p.Phe684Cys; replaces phenylalanine 684 with cysteine.
Molecular consequence: missense variant.
Genome position (GRCh38, 1-based): chr19:45,352,348, A>C on the plus strand (T>G on the coding strand, the complement: ERCC2 is on the minus strand). VCF-style: chr19-45352348-A-C. GRCh37 (hg19) VCF-style: chr19-45855606-A-C.
Other names: short protein forms F684C.
Identifiers: ClinVar variation 3509814 (VCV003509814.1).